The following is an entry in ClinVar:

ClinVar aggregate classification (germline): Uncertain significance (1 of 4 stars; one submission).

gnomAD v4.1: 5 of 1,614,064 alleles (0.00031%); highest among the groups gnomAD compares: African/African-American, 0.004%; no homozygotes.

Submission:

Dasa
Classification: Uncertain significance. Last evaluated: 2026-03-05. Review status: criteria provided, single submitter. Criteria: DASA Assertion Criteria. Collection method: clinical testing. Allele origin: germline.
Comment: NM_175607.3(CNTN4):c.493T>C (p.Tyr165His) is a missense variant that results in the substitution of tyrosine with histidine. This variant is rare in population databases. The currently available literature and clinical evidence are not sufficient to establish a definitive association between this variant and the reported condition. Therefore, this variant is classified as a variant of uncertain significance.

NM_175607.3(CNTN4):c.493T>C (p.Tyr165His)

Gene: CNTN4 (contactin 4; plus strand). Cytogenetic location: 3p26.2.
Variant type: single nucleotide variant.
Coding change: c.493T>C on transcript NM_175607.3 (MANE Select); coding-DNA position 493, T replaced by C.
Protein change: p.Tyr165His; replaces tyrosine 165 with histidine.
Molecular consequence: missense variant.
Genome position (GRCh38, 1-based): chr3:2,866,790, T>C. VCF-style: chr3-2866790-T-C. GRCh37 (hg19) VCF-style: chr3-2908474-T-C.
Other names: c.493T>C, p.Tyr165His (NM_001206955.2, NM_001350095.2); short protein forms Y165H.
Identifiers: ClinVar variation 4885457 (VCV004885457.2).